The following is an entry in ClinVar:

ClinVar aggregate classification (germline): Benign. Review status: criteria provided, multiple submitters, no conflicts (2 of 4 stars). 2 submissions from 2 submitters: Benign (2). Last evaluated 2018-01-13.

Conditions:
Chondrodysplasia with joint dislocations, gPAPP type. Also called: GPAPP DEFICIENCY. Identifiers: Orphanet 280586, MedGen C3279757, MONDO:0013561, OMIM 614078.

Allele frequency attached by ClinVar (database versions not stated): gnomAD 0.20438 and 0.20884; TOPMed 0.22118; 1000 Genomes Project 0.27097; 1000 Genomes Project 30x 0.27202.

Submissions (2):

Illumina Laboratory Services, Illumina
Classification: Benign for Chondrodysplasia with joint dislocations, gPAPP type. Last evaluated: 2018-01-13. Review status: criteria provided, single submitter. Criteria: ICSL Variant Classification Criteria 13 December 2019. Collection method: clinical testing. Allele origin: germline.
Comment: This variant was observed in the ICSL laboratory as part of a predisposition screen in an ostensibly healthy population. It had not been previously curated by ICSL or reported in the Human Gene Mutation Database (HGMD: prior to June 1st, 2018), and was therefore a candidate for classification through an automated scoring system. Utilizing variant allele frequency, disease prevalence and penetrance estimates, and inheritance mode, an automated score was calculated to assess if this variant is too frequent to cause the disease. Based on the score and internal cut-off values, a variant classified as benign is not then subjected to further curation. The score for this variant resulted in a classification of benign for this disease.

Breakthrough Genomics
Classification: Benign. Review status: criteria provided, single submitter. Criteria: ACMG Guidelines, 2015. Collection method: not provided. Allele origin: germline. Inheritance: Autosomal recessive inheritance. Affected: yes.

NM_017813.5(BPNT2):c.*2508T>A

Gene: BPNT2 (3'(2'), 5'-bisphosphate nucleotidase 2; minus strand). Cytogenetic location: 8q12.1.
Variant type: single nucleotide variant.
Coding change: c.*2508T>A on transcript NM_017813.5 (MANE Select); 2508 bases downstream of the stop codon, T replaced by A.
Molecular consequence: 3 prime UTR variant.
Genome position (GRCh38, 1-based): chr8:56,961,285, A>T on the plus strand (T>A on the coding strand, the complement: BPNT2 is on the minus strand). VCF-style: chr8-56961285-A-T. GRCh37 (hg19) VCF-style: chr8-57873844-A-T.
Identifiers: ClinVar variation 363361 (VCV000363361.6), dbSNP rs13275472, ClinGen allele CA10631314.